The following is an entry in ClinVar:

NM_001204.7(BMPR2):c.1258T>C (p.Cys420Arg)

Gene: BMPR2 (bone morphogenetic protein receptor type 2; plus strand). Cytogenetic location: 2q33.2.
Variant type: single nucleotide variant.
Coding change: c.1258T>C on transcript NM_001204.7 (MANE Select); coding-DNA position 1258, T replaced by C.
Protein change: p.Cys420Arg; replaces cysteine 420 with arginine.
Molecular consequence: missense variant.
Genome position (GRCh38, 1-based): chr2:202,532,714, T>C. VCF-style: chr2-202532714-T-C. GRCh37 (hg19) VCF-style: chr2-203397437-T-C.
Other names: NM_001204.7(BMPR2):c.1258T>C; p.Cys420Arg; c.1258T>C (LRG_712t1); short protein forms C420R.
Identifiers: ClinVar variation 425906 (VCV000425906.2), dbSNP rs1085307324, ClinGen allele CA350341977.
Genomic context (GRCh38, chr2:202,532,714, plus strand): 5'-GCTTTGAAACAAGTAGACATGTATGCTCTTGGACTAATCTATTGGGAGATATTTATGAGA[T>C]GTACAGACCTCTTCCCAGGTAAAAACTACTGTCAAAAGTTGATATTTTTTGAAGTGAAGC-3'
Protein context (NP_001195.2, residues 410-430): GLIYWEIFMR[Cys420Arg]TDLFPGESVP

ClinVar aggregate classification (germline): Pathogenic. Review status: reviewed by expert panel (3 of 4 stars). 2 submissions from 2 submitters: Pathogenic (1). 1 of the submissions does not count toward it. Last evaluated 2025-01-22.

Conditions:
Pulmonary arterial hypertension. Identifiers: Orphanet 182090, MedGen C2973725, MeSH D000081029, MONDO:0015924, HP:0002092.
Pulmonary hypertension, primary, 1 (PPH1). Also called: Pulmonary hypertension, familial primary, 1, with or without HHT. Identifiers: Orphanet 422, MedGen C4552070, MONDO:0024533, OMIM 178600.

Submissions (2):

Clingen Pulmonary Hypertension Variant Curation Expert Panel, ClinGen
Classification: Pathogenic for Pulmonary arterial hypertension. Last evaluated: 2025-01-22. Review status: reviewed by expert panel. Criteria: ClinGen PH ACMG Specifications BMPR2 V1.1.0. Collection method: curation. Allele origin: germline. Inheritance: Autosomal dominant inheritance.
Comment: BMPR2 c.1258T>C is a missense variant predicted to cause substitution of cysteine to arginine at amino acid position 420 (p.Cys420Arg). This variant resides within the catalytic kinase domain but is not a known critical residue (PM1_moderate met). The variant is absent in gnomAD databases, meeting PM2_supporting criterion (BA1 and BS1 not met). The REVEL score of 0.934 meets PP3_suporting criteria (>=0.75) (BP4 not met). Functional studies indicated subcellular mislocalization of the mutant protein (PMID: 25688877) and decreased receptor-mediated signaling (PMID: 12045205) (PS3 met). At least five unrelated probands have been reported in the literature (PMID: 11115378, 21801371, 27587546, 32634488, 32966279), meeting the PS4 threshold of >4 probands. Alternative missense variants have been reported in the same location but these variants are pending expert panel curation and PM5 is not scored at this time. In summary, this variant meets the criteria to be classified as pathogenic for pulmonary arterial hypertension based on the ACMG/AMP criteria applied, as specified by the ClinGen Pulmonary Hypertension VCEP: PS4_strong, PS3_strong, PM1_ moderate, PM2_supporting, PP3 (VCEP specification version 1.1.0, 1/18/2024).

Rare Disease Genomics Group, St George's University of London
Classification: Pathogenic for Primary pulmonary hypertension. Review status: no assertion criteria provided. Collection method: literature only. Allele origin: germline. Affected: yes. Not counted in ClinVar's aggregate classification.

Literature cited by the submitters: PubMed 11115378 (cited by Rare Disease Genomics Group, St George's University of London); PubMed 21801371 (cited by Rare Disease Genomics Group, St George's University of London).